The following is an entry in ClinVar:

ClinVar aggregate classification (germline): Pathogenic (1 of 4 stars; one submission).

Conditions:
Cardiovascular phenotype. Identifiers: MedGen CN230736.

Submission:

Ambry Genetics
Classification: Pathogenic for Cardiovascular phenotype. Last evaluated: 2014-07-18. Review status: criteria provided, single submitter. Criteria: Ambry Variant Classification Scheme 2023. Collection method: clinical testing. Allele origin: germline.
Comment: The c.841delA pathogenic mutation, located in coding exon 7 of the ENG gene, results from a deletion of one nucleotide at position 841, causing a translational frameshift with a predicted alternate stop codon. Since frameshifts are typically deleterious in nature, this alteration is interpreted as a disease-causing mutation (ACMG Recommendations for Standards for Interpretation and Reporting of Sequence Variations. Revision 2007. Genet Med. 2008;10:294).

NM_001114753.3(ENG):c.841del (p.Ile281fs)

Gene: ENG (endoglin; minus strand). Cytogenetic location: 9q34.11.
Variant type: Deletion.
Coding change: c.841del on transcript NM_001114753.3 (MANE Select); coding-DNA position 841, one base deleted (A; older notation c.841delA).
Protein change: p.Ile281fs; shifts the reading frame from isoleucine 281.
Molecular consequence: frameshift variant.
Genome position (GRCh38, 1-based): chr9:127,824,950, T deleted on the plus strand (A on the coding strand, the reverse complement: ENG is on the minus strand). VCF-style (leftmost placement, unchanged base first): chr9-127824949-AT-A. GRCh37 (hg19) VCF-style: chr9-130587228-AT-A.
Other names: c.841delA, p.Ile281Serfs (NM_000118.4, NM_001406715.1); c.295del, p.Ile99fs (NM_001278138.2); short protein forms I281fs, I99fs.
Identifiers: ClinVar variation 1763314 (VCV001763314.2), dbSNP rs2539073237, ClinGen allele CA2580079644.
Genomic context (GRCh38, chr9:127,824,949, plus strand): 5'-CCCAGGAGGCCTTGAGGTGTGTCTGGGAGCTTGAAGCCACGAATGTTTTTCTCTGGAAAG[AT>A]CTTGAAGGAGTATTCTCCAGTGGTCTAATGGTGGGGAGAGAGGCAGAACAGGGGGCCATG-3'